The following is an entry in ClinVar:

ClinVar aggregate classification (germline): Uncertain significance. Review status: criteria provided, multiple submitters, no conflicts (2 of 4 stars). 2 submissions from 2 submitters: Uncertain significance (2). Last evaluated 2025-07-21.

Conditions:
Hereditary pancreatitis (PCTT). Also called: PRSS1-Related Hereditary Pancreatitis; Hereditary chronic pancreatitis. Identifiers: Orphanet 676, MedGen C0238339, MONDO:0008185, OMIM 167800.

Submissions (2):

Ambry Genetics
Classification: Uncertain significance for Hereditary pancreatitis. Last evaluated: 2025-07-21. Review status: criteria provided, single submitter. Criteria: Ambry Variant Classification Scheme 2023. Collection method: clinical testing. Allele origin: germline.
Comment: The p.N90K variant (also known as c.270C>G), located in coding exon 4 of the CTRC gene, results from a C to G substitution at nucleotide position 270. The asparagine at codon 90 is replaced by lysine, an amino acid with similar properties. This amino acid position is conserved. In addition, this alteration is predicted to be tolerated by in silico analysis. Based on the available evidence, the clinical significance of this variant remains unclear.

Labcorp Genetics (formerly Invitae), Labcorp
Classification: Uncertain significance for Hereditary pancreatitis. Last evaluated: 2025-01-19. Review status: criteria provided, single submitter. Criteria: Invitae Variant Classification Sherloc (09022015). Collection method: clinical testing. Allele origin: germline.
Comment: This sequence change replaces asparagine, which is neutral and polar, with lysine, which is basic and polar, at codon 90 of the CTRC protein (p.Asn90Lys). This variant is not present in population databases (gnomAD no frequency). This variant has not been reported in the literature in individuals affected with CTRC-related conditions. Invitae Evidence Modeling of protein sequence and biophysical properties (such as structural, functional, and spatial information, amino acid conservation, physicochemical variation, residue mobility, and thermodynamic stability) has been performed for this missense variant. However, the output from this modeling did not meet the statistical confidence thresholds required to predict the impact of this variant on CTRC protein function. In summary, the available evidence is currently insufficient to determine the role of this variant in disease. Therefore, it has been classified as a Variant of Uncertain Significance.

NM_007272.3(CTRC):c.270C>G (p.Asn90Lys)

Gene: CTRC (chymotrypsin C; plus strand). Cytogenetic location: 1p36.21.
Variant type: single nucleotide variant.
Coding change: c.270C>G on transcript NM_007272.3 (MANE Select); coding-DNA position 270, C replaced by G.
Protein change: p.Asn90Lys; replaces asparagine 90 with lysine.
Molecular consequence: missense variant.
Genome position (GRCh38, 1-based): chr1:15,442,486, C>G. VCF-style: chr1-15442486-C-G. GRCh37 (hg19) VCF-style: chr1-15768982-C-G.
Other names: c.270C>G (NM_007272.2); short protein forms N90K.
Identifiers: ClinVar variation 3720903 (VCV003720903.3).
Genomic context (GRCh38, chr1:15,442,486, plus strand): 5'-TGGACCCCTTCCTCTGCCCAGCAACACCCGGACCTACCGTGTGGCCGTGGGAAAGAACAA[C>G]CTGGAGGTGGAAGACGAAGAAGGATCCCTGTTTGTGGGTGTGGACACCATCCACGTCCAC-3'
Protein context (NP_009203.2, residues 80-100): RTYRVAVGKN[Asn90Lys]LEVEDEEGSL